The following is an entry in ClinVar:

ClinVar aggregate classification (germline): Benign. Review status: criteria provided, multiple submitters, no conflicts (2 of 4 stars). 3 submissions from 3 submitters: Benign (2). 1 of the submissions does not count toward it. Last evaluated 2018-05-18.

Conditions:
PLXNB1-related disorder. Also called: PLXNB1-related condition.

Allele frequency attached by ClinVar (database versions not stated): gnomAD exomes 0.00083 and 0.00195; ESP Exome Variant Server 0.00927; ExAC 0.00288; 1000 Genomes Project 0.00799; gnomAD 0.00887 and 0.00826; TOPMed 0.00951; 1000 Genomes Project 30x 0.00937.
gnomAD v4.1: 2,504 of 1,609,290 alleles (0.16%); highest among the groups gnomAD compares: African/African-American, 3%; 35 homozygotes.

Submissions (4):

Labcorp Genetics (formerly Invitae), Labcorp
Classification: Benign. Last evaluated: 2018-05-18. Review status: criteria provided, single submitter. Criteria: Invitae Variant Classification Sherloc (09022015). Collection method: clinical testing. Allele origin: germline.

Breakthrough Genomics
Classification: Benign. Review status: criteria provided, single submitter. Criteria: ACMG Guidelines, 2015. Collection method: not provided. Allele origin: germline. Inheritance: Unknown mechanism. Affected: yes.

PreventionGenetics, part of Exact Sciences
Classification: Likely benign for PLXNB1-related condition. Last evaluated: 2019-02-22. Review status: no assertion criteria provided. Collection method: clinical testing. Allele origin: germline. Not counted in ClinVar's aggregate classification.
Comment: This variant is classified as likely benign based on ACMG/AMP sequence variant interpretation guidelines (Richards et al. 2015 PMID: 25741868, with internal and published modifications).

Dr. Peter K. Rogan Lab, Western University
No classification provided (evidence only). Condition: Hepatocellular carcinoma. Review status: no classification provided. Collection method: in vitro. Allele origin: not applicable. Functional consequence: skipped exon, retained intron. Not counted in ClinVar's aggregate classification.

NM_001130082.3(PLXNB1):c.2538C>T (p.Gly846=)

Gene: PLXNB1 (plexin B1; minus strand). Cytogenetic location: 3p21.31.
Variant type: single nucleotide variant.
Coding change: c.2538C>T on transcript NM_001130082.3 (MANE Select); coding-DNA position 2538, C replaced by T.
Protein change: p.Gly846=; no amino-acid change (glycine 846 retained).
Molecular consequence: synonymous variant.
Genome position (GRCh38, 1-based): chr3:48,419,748, G>A on the plus strand (C>T on the coding strand, the complement: PLXNB1 is on the minus strand). VCF-style: chr3-48419748-G-A. GRCh37 (hg19) VCF-style: chr3-48461157-G-A.
Other names: NC_000003.11:g.48461157G>A; c.2538C>T, p.Gly846= (NM_002673.6).
Identifiers: ClinVar variation 785051 (VCV000785051.7), dbSNP rs61729215, ClinGen allele CA2374805.
Genomic context (GRCh38, chr3:48,419,748, plus strand): 5'-GGAAGTGGAGAAGGCGGGTGCGTCACCCCCCGTCCACTCGTCCGCCTCGGGCAGCTCGCC[G>A]CCTTCTCTCGTGAGCCAGTCCAGGGCGGGCTTCACGGAGCCCATGGCCCCTGGGAAAGTG-3'
Protein context (NP_001123554.1, residues 836-856): KPALDWLTRE[Gly846=]GELPEADEWT